The following is an entry in ClinVar:

ClinVar aggregate classification (germline): Uncertain significance (1 of 4 stars; one submission).

gnomAD v4.1: 2 of 1,613,800 alleles (0.00012%); highest among the groups gnomAD compares: Admixed American, 0.0033%; no homozygotes.

Submission:

Women's Health and Genetics/Laboratory Corporation of America, LabCorp
Classification: Uncertain significance. Last evaluated: 2026-06-23. Review status: criteria provided, single submitter. Criteria: LabCorp Variant Classification Summary - May 2015. Collection method: clinical testing. Allele origin: germline.
Comment: Variant summary: NFIA c.604A>T (p.Ile202Phe) results in a non-conservative amino acid change in the encoded protein sequence. Algorithms developed to predict the effect of missense changes on protein structure and function are either unavailable or do not agree on the potential impact of this missense change. The variant allele was found at a frequency of 4e-06 in 251286 control chromosomes. The available data on variant occurrences in the general population are insufficient to allow any conclusion about variant significance. To our knowledge, no occurrence of c.604A>T in individuals affected with NFIA-related conditions and no experimental evidence demonstrating its impact on protein function have been reported. No submitters have cited clinical-significance assessments for this variant to ClinVar. Based on the evidence outlined above, the variant was classified as uncertain significance.

NM_001134673.4(NFIA):c.604A>T (p.Ile202Phe)

Gene: NFIA (nuclear factor I A; plus strand). Cytogenetic location: 1p31.3.
Variant type: single nucleotide variant.
Coding change: c.604A>T on transcript NM_001134673.4 (MANE Select); coding-DNA position 604, A replaced by T.
Protein change: p.Ile202Phe; replaces isoleucine 202 with phenylalanine.
Molecular consequence: missense variant.
Genome position (GRCh38, 1-based): chr1:61,277,564, A>T. VCF-style: chr1-61277564-A-T. GRCh37 (hg19) VCF-style: chr1-61743236-A-T.
Other names: c.580A>T, p.Ile194Phe (NM_001145511.2); c.739A>T, p.Ile247Phe (NM_001145512.2); c.604A>T, p.Ile202Phe (NM_005595.5); short protein forms I194F, I202F, I247F.
Identifiers: ClinVar variation 4887743 (VCV004887743.1).